The following is an entry in ClinVar:

ClinVar aggregate classification (germline): Uncertain significance (1 of 4 stars; one submission).

Submission:

GeneDx
Classification: Uncertain significance. Last evaluated: 2025-02-15. Review status: criteria provided, single submitter. Criteria: GeneDx Variant Classification Process June 2021. Collection method: clinical testing. Allele origin: germline. Affected: yes.
Comment: Not observed at significant frequency in large population cohorts (gnomAD); In silico analysis indicates that this missense variant does not alter protein structure/function; Has not been previously published as pathogenic or benign to our knowledge

NM_001378183.1(PIEZO2):c.437A>G (p.Lys146Arg)

Gene: PIEZO2 (piezo type mechanosensitive ion channel component 2; minus strand). Cytogenetic location: 18p11.22.
Variant type: single nucleotide variant.
Coding change: c.437A>G on transcript NM_001378183.1 (MANE Select); coding-DNA position 437, A replaced by G.
Protein change: p.Lys146Arg; replaces lysine 146 with arginine.
Molecular consequence: missense variant.
Genome position (GRCh38, 1-based): chr18:10,871,308, T>C on the plus strand (A>G on the coding strand, the complement: PIEZO2 is on the minus strand). VCF-style: chr18-10871308-T-C. GRCh37 (hg19) VCF-style: chr18-10871306-T-C.
Other names: c.437A>G, p.Lys146Arg (NM_001410871.1, NM_022068.4); short protein forms K146R.
Identifiers: ClinVar variation 4075690 (VCV004075690.1).